The following is an entry in ClinVar:

ClinVar aggregate classification (germline): Conflicting classifications of pathogenicity. Review status: criteria provided, conflicting classifications (1 of 4 stars). 2 submissions from 2 submitters: Likely pathogenic (1); Uncertain significance (1). Last evaluated 2024-04-19.

Conditions:
CRYAB-related disorder. Also called: CRYAB-related condition.
Myofibrillar myopathy 2. Also called: MYOPATHY, MYOFIBRILLAR, 2A, ADULT-ONSET; MYOPATHY, DESMIN-RELATED, ASSOCIATED WITH MUTATION IN THE CRYAB GENE; MYOPATHY, MYOFIBRILLAR, ALPHA-B CRYSTALLIN-RELATED; MYOPATHY, MYOFIBRILLAR, WITH OR WITHOUT CATARACT AND/OR CARDIOMYOPATHY. Identifiers: Orphanet 280553, Orphanet 399058, MedGen C1837317, MONDO:0012130.

Submissions (2):

Greenwood Genetic Center Diagnostic Laboratories, Greenwood Genetic Center
Classification: Likely pathogenic for CRYAB-related disorder. Last evaluated: 2024-04-19. Review status: criteria provided, single submitter. Criteria: ACMG Guidelines, 2015. Collection method: clinical testing. Allele origin: germline. Affected: yes.
Comment: PM2, PM4, PM6

Baylor Genetics
Classification: Uncertain significance. Last evaluated: 2018-03-19. Review status: criteria provided, single submitter. Criteria: ACMG Guidelines, 2015. Collection method: clinical testing. Allele origin: unknown. Affected: yes.
Comment: This variant was determined to be of uncertain significance according to ACMG Guidelines, 2015 [PMID:25741868].

NM_001289808.2(CRYAB):c.519del (p.Lys174fs)

Gene: CRYAB (crystallin alpha B; minus strand). Cytogenetic location: 11q23.1.
Variant type: Deletion.
Coding change: c.519del on transcript NM_001289808.2 (MANE Select); coding-DNA position 519, one base deleted (C; older notation c.519delC).
Protein change: p.Lys174fs; shifts the reading frame from lysine 174.
Molecular consequence: frameshift variant.
Genome position (GRCh38, 1-based): chr11:111,908,773, G deleted on the plus strand (C on the coding strand, the reverse complement: CRYAB is on the minus strand); the first of 5 consecutive G bases (chr11:111,908,773-111,908,777); deleting any one gives the same sequence. VCF-style (leftmost placement, unchanged base first): chr11-111908772-TG-T. GRCh37 (hg19) VCF-style: chr11-111779496-TG-T.
Other names: c.519del, p.Lys174fs (NM_001289807.1, NM_001368245.1, NM_001885.3); c.318del, p.Lys107fs (NM_001330379.1, NM_001368246.1); short protein forms K107fs, K174fs.
Identifiers: ClinVar variation 1032782 (VCV001032782.2), dbSNP rs1566402173, ClinGen allele CA918968551.